The following is an entry in ClinVar:

ClinVar aggregate classification (germline): Uncertain significance. Review status: criteria provided, multiple submitters, no conflicts (2 of 4 stars). 2 submissions from 2 submitters: Uncertain significance (2). Last evaluated 2024-11-19.

Conditions:
Renal tubular dysgenesis of genetic origin. Also called: PRIMITIVE RENAL TUBULE SYNDROME. Identifiers: Orphanet 97369, MedGen C5681536, MONDO:0009970, OMIM 267430.
Essential hypertension, genetic (EHT). Identifiers: MedGen CN305331, MONDO:0007781, OMIM 145500.

Submissions (2):

Labcorp Genetics (formerly Invitae), Labcorp
Classification: Uncertain significance. Last evaluated: 2024-11-19. Review status: criteria provided, single submitter. Criteria: Invitae Variant Classification Sherloc (09022015). Collection method: clinical testing. Allele origin: germline.
Comment: This sequence change replaces arginine, which is basic and polar, with cysteine, which is neutral and slightly polar, at codon 128 of the AGTR1 protein (p.Arg128Cys). This variant is present in population databases (no rsID available, gnomAD 0.0009%). This variant has not been reported in the literature in individuals affected with AGTR1-related conditions. Experimental studies and prediction algorithms are not available or were not evaluated, and the functional significance of this variant is currently unknown. In summary, the available evidence is currently insufficient to determine the role of this variant in disease. Therefore, it has been classified as a Variant of Uncertain Significance.

Fulgent Genetics
Classification: Uncertain significance for Essential hypertension, genetic; Renal tubular dysgenesis of genetic origin. Last evaluated: 2024-04-19. Review status: criteria provided, single submitter. Criteria: ACMG Guidelines, 2015. Collection method: clinical testing. Allele origin: germline.

NM_000685.5(AGTR1):c.277C>T (p.Arg93Cys)

Gene: AGTR1 (angiotensin II receptor type 1; plus strand). Cytogenetic location: 3q24.
Variant type: single nucleotide variant.
Coding change: c.277C>T on transcript NM_000685.5 (MANE Select); coding-DNA position 277, C replaced by T.
Protein change: p.Arg93Cys; replaces arginine 93 with cysteine.
Molecular consequence: missense variant.
Genome position (GRCh38, 1-based): chr3:148,741,312, C>T. VCF-style: chr3-148741312-C-T. GRCh37 (hg19) VCF-style: chr3-148459099-C-T.
Other names: c.277C>T, p.Arg93Cys (NM_001382736.1, NM_001382737.1, NM_004835.5 and 3 more transcripts); c.382C>T (NM_031850.3); short protein forms R93C.
Identifiers: ClinVar variation 3588652 (VCV003588652.3).